The following is an entry in ClinVar:

NM_002317.7(LOX):c.415G>A (p.Ala139Thr)

Genes: LOX (lysyl oxidase; minus strand), SRFBP1 (serum response factor binding protein 1; plus strand). Cytogenetic location: 5q23.1.
Variant type: single nucleotide variant.
Coding change: c.415G>A on transcript NM_002317.7 (MANE Select); coding-DNA position 415, G replaced by A.
Protein change: p.Ala139Thr; replaces alanine 139 with threonine.
Molecular consequence: missense variant.
Genome position (GRCh38, 1-based): chr5:122,077,571, C>T on the plus strand (G>A on the coding strand, the complement: LOX is on the minus strand). VCF-style: chr5-122077571-C-T. GRCh37 (hg19) VCF-style: chr5-121413266-C-T.
Other names: short protein forms A139T.
Identifiers: ClinVar variation 3698537 (VCV003698537.2).

ClinVar aggregate classification (germline): Uncertain significance (1 of 4 stars; one submission).

Submission:

Labcorp Genetics (formerly Invitae), Labcorp
Classification: Uncertain significance. Last evaluated: 2024-02-12. Review status: criteria provided, single submitter. Criteria: Invitae Variant Classification Sherloc (09022015). Collection method: clinical testing. Allele origin: germline.
Comment: This sequence change replaces alanine, which is neutral and non-polar, with threonine, which is neutral and polar, at codon 139 of the LOX protein (p.Ala139Thr). This variant is not present in population databases (gnomAD no frequency). This variant has not been reported in the literature in individuals affected with LOX-related conditions. Advanced modeling of protein sequence and biophysical properties (such as structural, functional, and spatial information, amino acid conservation, physicochemical variation, residue mobility, and thermodynamic stability) performed at Invitae indicates that this missense variant is not expected to disrupt LOX protein function with a negative predictive value of 80%. In summary, the available evidence is currently insufficient to determine the role of this variant in disease. Therefore, it has been classified as a Variant of Uncertain Significance.